The following is an entry in ClinVar:

NM_001267550.2(TTN):c.46697-1G>T

Genes: TTN-AS1 (TTN antisense RNA 1; plus strand), TTN (titin; minus strand). Cytogenetic location: 2q31.2.
Variant type: single nucleotide variant.
Coding change: c.46697-1G>T on transcript NM_001267550.2 (MANE Select); the canonical splice acceptor site of the intron before coding-DNA position 46697, G replaced by T.
Molecular consequence: splice acceptor variant.
Genome position (GRCh38, 1-based): chr2:178,618,854, C>A on the plus strand (G>T on the coding strand, the complement: TTN is on the minus strand). VCF-style: chr2-178618854-C-A. GRCh37 (hg19) VCF-style: chr2-179483581-C-A.
Other names: c.19502-1G>T (NM_003319.4); c.20078-1G>T (NM_133437.4); c.19877-1G>T (NM_133432.3); c.38993-1G>T (NM_133378.4); c.41774-1G>T (NM_001256850.1).
Identifiers: ClinVar variation 1062571 (VCV001062571.9), dbSNP rs2154209955, ClinGen allele CA349622741.
Genomic context (GRCh38, chr2:178,618,854, plus strand): 5'-TCAGAGGCTTGCCAACATCAACCACAAGGTCTTGGTCAGCTGTCTTGATTTTTGGTGCAG[C>A]TAGTGAGAAAGATAACATGTGAACGCTTTCGACTATTAAACGTAGCCAAGCTACATCATG-3'

ClinVar aggregate classification (germline): Likely pathogenic (1 of 4 stars; one submission).

Conditions:
Dilated cardiomyopathy 1G (CMD1G). Identifiers: Orphanet 154, MedGen C1858763, MONDO:0011400, OMIM 604145.
Autosomal recessive limb-girdle muscular dystrophy type 2J (LGMDR10). Also called: Limb-girdle muscular dystrophy, type 2J; MUSCULAR DYSTROPHY, LIMB-GIRDLE, AUTOSOMAL RECESSIVE 10. Identifiers: Orphanet 140922, MedGen C1837342, MONDO:0012127, OMIM 608807.

Submission:

Labcorp Genetics (formerly Invitae), Labcorp
Classification: Likely pathogenic for Dilated cardiomyopathy 1G; Autosomal recessive limb-girdle muscular dystrophy type 2J. Last evaluated: 2024-10-18. Review status: criteria provided, single submitter. Criteria: Invitae Variant Classification Sherloc (09022015). Collection method: clinical testing. Allele origin: germline.
Comment: This sequence change affects an acceptor splice site in intron 250 of the TTN gene. It is expected to disrupt RNA splicing and likely results in a truncated or disrupted TTN protein. This variant is not present in population databases (gnomAD no frequency). This variant has not been observed in the literature in individuals with autosomal recessive TTN-related conditions. This variant has been reported in individual(s) with cardiomyopathy (PMID: 30847666); however, the role of the variant in this condition is currently unclear. This variant is also known as NM_133378.4:c.38993-1G>T. ClinVar contains an entry for this variant (Variation ID: 1062571). Algorithms developed to predict the effect of sequence changes on RNA splicing suggest that this variant may disrupt the consensus splice site. This variant is located in the I band of TTN (PMID: 25589632). Truncating variants in this region have been reported in individuals affected with autosomal recessive centronuclear myopathy (PMID: 23975875, internal data). Truncating variants in this region have also been identified in individuals affected with autosomal dominant dilated cardiomyopathy and/or cardio-related conditions (PMID: 27869827, 32964742, internal data). In summary, the currently available evidence indicates that the variant is pathogenic, but additional data are needed to prove that conclusively. Therefore, this variant has been classified as Likely Pathogenic.

Literature cited by the submitters: PubMed 30847666; PubMed 25589632; PubMed 23975875; PubMed 27869827; PubMed 32964742.